The following is an entry in ClinVar:

ClinVar aggregate classification (germline): Uncertain significance (1 of 4 stars; one submission).

gnomAD v4.1: 1 of 1,613,962 alleles (0.000062%); highest among the groups gnomAD compares: South Asian, 0.0011%; no homozygotes.

Submission:

Labcorp Genetics (formerly Invitae), Labcorp
Classification: Uncertain significance. Last evaluated: 2024-01-08. Review status: criteria provided, single submitter. Criteria: Invitae Variant Classification Sherloc (09022015). Collection method: clinical testing. Allele origin: germline.
Comment: This sequence change replaces proline, which is neutral and non-polar, with arginine, which is basic and polar, at codon 25 of the SEPT9 protein (p.Pro25Arg). This variant is present in population databases (no rsID available, gnomAD 0.003%). This variant has not been reported in the literature in individuals affected with SEPT9-related conditions. ClinVar contains an entry for this variant (Variation ID: 1682575). Advanced modeling of protein sequence and biophysical properties (such as structural, functional, and spatial information, amino acid conservation, physicochemical variation, residue mobility, and thermodynamic stability) performed at Invitae indicates that this missense variant is not expected to disrupt SEPT9 protein function with a negative predictive value of 80%. In summary, the available evidence is currently insufficient to determine the role of this variant in disease. Therefore, it has been classified as a Variant of Uncertain Significance.

NM_001113491.2(SEPTIN9):c.128C>G (p.Pro43Arg)

Gene: SEPTIN9 (septin 9; plus strand). Cytogenetic location: 17q25.3.
Variant type: single nucleotide variant.
Coding change: c.128C>G on transcript NM_001113491.2 (MANE Select); coding-DNA position 128, C replaced by G.
Protein change: p.Pro43Arg; replaces proline 43 with arginine.
Molecular consequence: missense variant. On other transcripts: 5 prime UTR variant (2).
Genome position (GRCh38, 1-based): chr17:77,402,110, C>G. VCF-style: chr17-77402110-C-G. GRCh37 (hg19) VCF-style: chr17-75398192-C-G.
Other names: c.-365C>G (NM_001113492.2, NM_001113494.1); c.107C>G, p.Pro36Arg (NM_001113493.2); c.71C>G, p.Pro24Arg (NM_001293695.2); c.74C>G, p.Pro25Arg (NM_006640.5); short protein forms P24R, P25R, P36R, P43R.
Identifiers: ClinVar variation 1682575 (VCV001682575.7), dbSNP rs780472921, ClinGen allele CA401205548.